The following is an entry in ClinVar:

NM_004672.5(MAP3K6):c.2872C>A (p.Pro958Thr)

Gene: MAP3K6 (mitogen-activated protein kinase kinase kinase 6; minus strand). Cytogenetic location: 1p36.11.
Variant type: single nucleotide variant.
Coding change: c.2872C>A on transcript NM_004672.5 (MANE Select); coding-DNA position 2872, C replaced by A.
Protein change: p.Pro958Thr; replaces proline 958 with threonine.
Molecular consequence: missense variant.
Genome position (GRCh38, 1-based): chr1:27,358,224, G>T on the plus strand (C>A on the coding strand, the complement: MAP3K6 is on the minus strand). VCF-style: chr1-27358224-G-T. GRCh37 (hg19) VCF-style: chr1-27684715-G-T.
Other names: c.2848C>A, p.Pro950Thr (NM_001297609.2); short protein forms P950T, P958T.
Identifiers: ClinVar variation 3031754 (VCV003031754.2), dbSNP rs75893867, ClinGen allele CA713264.
Genomic context (GRCh38, chr1:27,358,224, plus strand): 5'-AGGAGCCTTGGTCTCACCGGAGCTGGCTGGTGCCCCCATAACTGAGGCAGCGCTTCGGGG[G>T]GCTGGGTGGGTGCTGAGAGGGTGCCTGAGGGCACGGGAATGTCTGAGACTGGGTGGTTGA-3'
Protein context (NP_004663.3, residues 948-968): PQAPSQHPPS[Pro958Thr]PKRCLSYGGT

ClinVar aggregate classification (germline): Likely benign (0 of 4 stars; one submission).

Conditions:
MAP3K6-related disorder. Also called: MAP3K6-related condition.

Allele frequency attached by ClinVar (database versions not stated): TOPMed 0.00007; gnomAD 0.00016; gnomAD exomes 0.00035; ExAC 0.00041; 1000 Genomes Project 30x 0.00062; 1000 Genomes Project 0.00080.
gnomAD v4.1: 523 of 1,598,500 alleles (0.033%); highest among the groups gnomAD compares: East Asian, 1.1%; 6 homozygotes.

Submission:

PreventionGenetics, part of Exact Sciences
Classification: Likely benign for MAP3K6-related condition. Last evaluated: 2020-11-02. Review status: no assertion criteria provided. Collection method: clinical testing. Allele origin: germline.
Comment: This variant is classified as likely benign based on ACMG/AMP sequence variant interpretation guidelines (Richards et al. 2015 PMID: 25741868, with internal and published modifications).